The following is an entry in ClinVar:

NM_007294.4(BRCA1):c.4969del (p.Gly1656_Leu1657insTer)

Gene: BRCA1 (BRCA1 DNA repair associated; minus strand). Cytogenetic location: 17q21.31.
Variant type: Deletion.
Coding change: c.4969del on transcript NM_007294.4 (MANE Select); coding-DNA position 4969, one base deleted (C; older notation c.4969delC).
Protein change: p.Gly1656_Leu1657insTer.
Molecular consequence: nonsense. On other transcripts: frameshift variant (365), non-coding transcript variant (1).
Genome position (GRCh38, 1-based): chr17:43,070,945, G deleted on the plus strand (C on the coding strand, the reverse complement: BRCA1 is on the minus strand); the first of 2 consecutive G bases (chr17:43,070,945-43,070,946); deleting either gives the same sequence. VCF-style (leftmost placement, unchanged base first): chr17-43070944-AG-A. GRCh37 (hg19) VCF-style: chr17-41222961-AG-A.
Other names: c.4969delC (NM_007294.3); c.4821delC, p.Leu1608Terfs (NM_001407846.1, NM_001407847.1, NM_001407848.1 and 12 more transcripts); c.4968delC, p.Leu1657Terfs (NM_001407854.1, NM_001407593.1, NM_001407594.1 and 8 more transcripts); c.4965delC, p.Leu1656Terfs (NM_001407858.1, NM_001407859.1, NM_001407860.1 and 17 more transcripts); c.4962delC, p.Leu1655Terfs (NM_001407861.1, NM_001407627.1, NM_001407628.1 and 14 more transcripts); c.4767delC, p.Leu1590Terfs (NM_001407862.1); c.4842delC, p.Leu1615Terfs (NM_001407863.1, NM_001407939.1, NM_001407940.1 and 11 more transcripts); c.4761delC, p.Leu1588Terfs (NM_001407874.1, NM_001407875.1); and 74 more.
Identifiers: ClinVar variation 254460 (VCV000254460.3), dbSNP rs886038038, ClinGen allele CA10586605.
Genomic context (GRCh38, chr17:43,070,944, plus strand): 5'-TGTTAAGTCTTAGTCATTAGGGAGATACATATGGATACACTCACAAATTCTTCTGGGGTC[AG>A]GCCAGACACCACCATGGACATTCTTTTGTTGACCCTTTCTGTTGAAGCTGTCAATTCTGG-3'

ClinVar aggregate classification (germline): Pathogenic (3 of 4 stars; one submission).

Conditions:
Breast-ovarian cancer, familial, susceptibility to, 1 (BROVCA1). Also called: BRCA1 Hereditary Breast and Ovarian Cancer; OVARIAN CANCER, SUSCEPTIBILITY TO. Identifiers: Orphanet 145, MedGen C2676676, MONDO:0011450, OMIM 604370. Disease mechanism: loss of function.

Submission:

Evidence-based Network for the Interpretation of Germline Mutant Alleles (ENIGMA)
Classification: Pathogenic for Breast-ovarian cancer, familial, susceptibility to, 1. Last evaluated: 2016-09-08. Review status: reviewed by expert panel. Criteria: ENIGMA BRCA1/2 Classification Criteria (2015). Collection method: curation. Allele origin: germline.
Comment: Variant allele predicted to encode a truncated non-functional protein.